The following is an entry in ClinVar:

NM_002439.5(MSH3):c.2879C>A (p.Ala960Glu)

Gene: MSH3 (mutS homolog 3; plus strand). Cytogenetic location: 5q14.1.
Variant type: single nucleotide variant.
Coding change: c.2879C>A on transcript NM_002439.5 (MANE Select); coding-DNA position 2879, C replaced by A.
Protein change: p.Ala960Glu; replaces alanine 960 with glutamic acid.
Molecular consequence: missense variant.
Genome position (GRCh38, 1-based): chr5:80,854,195, C>A. VCF-style: chr5-80854195-C-A. GRCh37 (hg19) VCF-style: chr5-80150014-C-A.
Other names: c.2879C>A (NM_002439.3); short protein forms A960E.
Identifiers: ClinVar variation 1024895 (VCV001024895.9), dbSNP rs1745877870, ClinGen allele CA360275601.

ClinVar aggregate classification (germline): Uncertain significance. Review status: criteria provided, multiple submitters, no conflicts (2 of 4 stars). 2 submissions from 2 submitters: Uncertain significance (2). Last evaluated 2025-01-30.

Conditions:
Hereditary cancer-predisposing syndrome. Also called: Hereditary Cancer Syndrome; Neoplastic Syndromes, Hereditary; Tumor predisposition; Hereditary neoplastic syndrome. Identifiers: Orphanet 140162, MedGen C0027672, MeSH D009386, MONDO:0015356.

Submissions (2):

Labcorp Genetics (formerly Invitae), Labcorp
Classification: Uncertain significance. Last evaluated: 2025-01-30. Review status: criteria provided, single submitter. Criteria: Invitae Variant Classification Sherloc (09022015). Collection method: clinical testing. Allele origin: germline.
Comment: This sequence change replaces alanine, which is neutral and non-polar, with glutamic acid, which is acidic and polar, at codon 960 of the MSH3 protein (p.Ala960Glu). This variant is not present in population databases (gnomAD no frequency). This variant has not been reported in the literature in individuals affected with MSH3-related conditions. ClinVar contains an entry for this variant (Variation ID: 1024895). An algorithm developed to predict the effect of missense changes on protein structure and function (PolyPhen-2) suggests that this variant is likely to be disruptive. In summary, the available evidence is currently insufficient to determine the role of this variant in disease. Therefore, it has been classified as a Variant of Uncertain Significance.

Ambry Genetics
Classification: Uncertain significance for Hereditary cancer-predisposing syndrome. Last evaluated: 2024-06-13. Review status: criteria provided, single submitter. Criteria: Ambry Variant Classification Scheme 2023. Collection method: clinical testing. Allele origin: germline.
Comment: The p.A960E variant (also known as c.2879C>A), located in coding exon 21 of the MSH3 gene, results from a C to A substitution at nucleotide position 2879. The alanine at codon 960 is replaced by glutamic acid, an amino acid with dissimilar properties. This amino acid position is conserved. In addition, the in silico prediction for this alteration is inconclusive. Based on the available evidence, the clinical significance of this variant remains unclear.